The following is an entry in ClinVar:

NM_000212.3(ITGB3):c.487A>C (p.Lys163Gln)

Gene: ITGB3 (integrin subunit beta 3; plus strand). Cytogenetic location: 17q21.32.
Variant type: single nucleotide variant.
Coding change: c.487A>C on transcript NM_000212.3 (MANE Select); coding-DNA position 487, A replaced by C.
Protein change: p.Lys163Gln; replaces lysine 163 with glutamine.
Molecular consequence: missense variant.
Genome position (GRCh38, 1-based): chr17:47,284,568, A>C. VCF-style: chr17-47284568-A-C. GRCh37 (hg19) VCF-style: chr17-45361934-A-C.
Other names: NM_000212.3:c.487A>C; short protein forms K163Q.
Identifiers: ClinVar variation 2498361 (VCV002498361.3), dbSNP rs80115510, ClinGen allele CA291224655.

ClinVar aggregate classification (germline): Uncertain significance (3 of 4 stars; one submission).

Conditions:
Glanzmann thrombasthenia. Also called: BLEEDING DISORDER, PLATELET-TYPE, 2; THROMBASTHENIA OF GLANZMANN AND NAEGELI; Thrombasthenia; PLATELET GLYCOPROTEIN IIb-IIIa DEFICIENCY; Glanzmann's thrombasthenia. Identifiers: Orphanet 849, MedGen C0040015, MONDO:0100326.

Allele frequency attached by ClinVar (database versions not stated): TOPMed 0.00001.
gnomAD v4.1: 1 of 1,614,194 alleles (0.000062%); highest among the groups gnomAD compares: Non-Finnish European, 0.000085%; no homozygotes.

Submission:

ClinGen Platelet Disorders Variant Curation Expert Panel, ClinGen
Classification: Uncertain significance for Glanzmann thrombasthenia. Last evaluated: 2025-12-16. Review status: reviewed by expert panel. Criteria: ClinGen Platelet ACMG Specifications v2-1. Collection method: curation. Allele origin: germline. Inheritance: Autosomal recessive inheritance.
Comment: After a comprehensive literature search, the missense variant NM_000212.3:c.487A>C (p.Lys163Gln) was not identified in any individuals with Glanzmann thrombasthenia. The highest population minor allele frequency in gnomAD v4.1 is 8.474e-7 (1/1180034 alleles) in the European (non-Finnish) genetic ancestry group, which is lower than the ClinGen PD VCEP threshold (<0.0001; PM2_Supporting). The computational predictor REVEL gives a score of 0.593, which is intermediate between PP3 and BP4. The variant was identified in relation to severe neonatal alloimmune thrombocytopenia and the very low frequency human platelet antigen HPA-19bw (PMID19821948). In summary, this variant meets the criteria to be classified as Uncertain significance - insufficient evidence for autosomal recessive inheritance of Glanzmann thrombasthenia based on the ACMG/AMP criteria applied, as specified by the ClinGen PD VCEP: PM2_Supporting (VCEP specifications version 2.1).